The following is an entry in ClinVar:

NM_005751.5(AKAP9):c.281G>T (p.Ser94Ile)

Gene: AKAP9 (A-kinase anchoring protein 9; plus strand). Cytogenetic location: 7q21.2.
Variant type: single nucleotide variant.
Coding change: c.281G>T on transcript NM_005751.5 (MANE Select); coding-DNA position 281, G replaced by T.
Protein change: p.Ser94Ile; replaces serine 94 with isoleucine.
Molecular consequence: missense variant.
Genome position (GRCh38, 1-based): chr7:91,973,943, G>T. VCF-style: chr7-91973943-G-T. GRCh37 (hg19) VCF-style: chr7-91603257-G-T.
Other names: c.281G>T, p.Ser94Ile (NM_147185.3); short protein forms S94I.
Identifiers: ClinVar variation 969999 (VCV000969999.10), dbSNP rs571281120, ClinGen allele CA4335754.

ClinVar aggregate classification (germline): Uncertain significance (1 of 4 stars; one submission).

Conditions:
Long QT syndrome (LQTS). Identifiers: MedGen C0023976, MeSH D008133, MONDO:0002442. Disease mechanism: loss of function. Inheritance: Various modes of inheritance.

Allele frequency attached by ClinVar (database versions not stated): gnomAD exomes below 0.00001; gnomAD 0.00001; ExAC 0.00002; 1000 Genomes Project 30x 0.00016; 1000 Genomes Project 0.00020.
gnomAD v4.1: 3 of 1,613,900 alleles (0.00019%); highest among the groups gnomAD compares: South Asian, 0.0033%; no homozygotes.

Submission:

Labcorp Genetics (formerly Invitae), Labcorp
Classification: Uncertain significance for Long QT syndrome. Last evaluated: 2024-06-25. Review status: criteria provided, single submitter. Criteria: Invitae Variant Classification Sherloc (09022015). Collection method: clinical testing. Allele origin: germline.
Comment: This sequence change replaces serine, which is neutral and polar, with isoleucine, which is neutral and non-polar, at codon 94 of the AKAP9 protein (p.Ser94Ile). This variant is present in population databases (rs571281120, gnomAD 0.006%). This variant has not been reported in the literature in individuals affected with AKAP9-related conditions. ClinVar contains an entry for this variant (Variation ID: 969999). An algorithm developed to predict the effect of missense changes on protein structure and function (PolyPhen-2) suggests that this variant is likely to be tolerated. In summary, the available evidence is currently insufficient to determine the role of this variant in disease. Therefore, it has been classified as a Variant of Uncertain Significance.